The following is an entry in ClinVar:

NM_024926.4(IFT56):c.39C>A (p.Gly13=)

Gene: IFT56 (intraflagellar transport 56; plus strand). Cytogenetic location: 7q34.
Variant type: single nucleotide variant.
Coding change: c.39C>A on transcript NM_024926.4 (MANE Select); coding-DNA position 39, C replaced by A.
Protein change: p.Gly13=; no amino-acid change (glycine 13 retained).
Molecular consequence: synonymous variant. On other transcripts: 5 prime UTR variant (2).
Genome position (GRCh38, 1-based): chr7:139,134,690, C>A. VCF-style: chr7-139134690-C-A. GRCh37 (hg19) VCF-style: chr7-138819436-C-A.
Other names: c.39C>A, p.Gly13= (NM_001144920.3, NM_001144923.3, NM_001287512.2 and 3 more transcripts); c.-206C>A (NM_001287513.2); c.-543C>A (NM_001318333.2).
Identifiers: ClinVar variation 4995768 (VCV004995768.1).
Genomic context (GRCh38, chr7:139,134,690, plus strand): 5'-ACAGCTGTCTTTGTTTCTTTTACAGATGCTTTCAAGGGCCAAACCTGCTGTAGGCAGAGG[C>A]GTACAGCACACTGACAAAAGAAAGAAGAAAGGTAGGAAGATTCCAAAACTAGAGGAGCTA-3'
Protein context (NP_079202.2, residues 3-23): LSRAKPAVGR[Gly13=]VQHTDKRKKK

ClinVar aggregate classification (germline): Likely benign (1 of 4 stars; one submission).

Conditions:
IFT56-related disorder. Also called: IFT56-related condition.

gnomAD v4.1: 1 of 1,613,572 alleles (0.000062%); highest among the groups gnomAD compares: African/African-American, 0.0013%; no homozygotes.

Submission:

PreventionGenetics, part of Exact Sciences
Classification: Likely benign for IFT56-related condition. Last evaluated: 2026-03-04. Review status: criteria provided, single submitter. Criteria: ACMG Guidelines, 2015. Collection method: clinical testing. Allele origin: germline.
Comment: This variant is classified as likely benign based on ACMG/AMP sequence variant interpretation guidelines (Richards et al. 2015 PMID: 25741868, with internal and published modifications).